The following is an entry in ClinVar:

ClinVar aggregate classification (germline): Uncertain significance (1 of 4 stars; one submission).

Conditions:
Immunodeficiency due to CD25 deficiency. Also called: CD25 DEFICIENCY; IMMUNODEFICIENCY 41 WITH LYMPHOPROLIFERATION AND AUTOIMMUNITY; IL2RA DEFICIENCY. Identifiers: Orphanet 169100, MedGen C1853392, MONDO:0011664, OMIM 606367.

Allele frequency attached by ClinVar (database versions not stated): gnomAD exomes below 0.00001; ExAC 0.00001; gnomAD 0.00001 and 0.00002; TOPMed 0.00001.
gnomAD v4.1: 3 of 1,614,018 alleles (0.00019%); highest among the groups gnomAD compares: Admixed American, 0.0033%; no homozygotes.

Submission:

Labcorp Genetics (formerly Invitae), Labcorp
Classification: Uncertain significance for Immunodeficiency due to CD25 deficiency. Last evaluated: 2024-09-03. Review status: criteria provided, single submitter. Criteria: Invitae Variant Classification Sherloc (09022015). Collection method: clinical testing. Allele origin: germline.
Comment: This sequence change replaces arginine, which is basic and polar, with lysine, which is basic and polar, at codon 269 of the IL2RA protein (p.Arg269Lys). This variant is present in population databases (rs774531130, gnomAD 0.0009%). This variant has not been reported in the literature in individuals affected with IL2RA-related conditions. ClinVar contains an entry for this variant (Variation ID: 1470714). An algorithm developed to predict the effect of missense changes on protein structure and function (PolyPhen-2) suggests that this variant is likely to be tolerated. Algorithms developed to predict the effect of sequence changes on RNA splicing suggest that this variant may disrupt the consensus splice site. In summary, the available evidence is currently insufficient to determine the role of this variant in disease. Therefore, it has been classified as a Variant of Uncertain Significance.

NM_000417.3(IL2RA):c.806G>A (p.Arg269Lys)

Gene: IL2RA (interleukin 2 receptor subunit alpha; minus strand). Cytogenetic location: 10p15.1.
Variant type: single nucleotide variant.
Coding change: c.806G>A on transcript NM_000417.3 (MANE Select); coding-DNA position 806, G replaced by A.
Protein change: p.Arg269Lys; replaces arginine 269 with lysine.
Molecular consequence: missense variant.
Genome position (GRCh38, 1-based): chr10:6,012,885, C>T on the plus strand (G>A on the coding strand, the complement: IL2RA is on the minus strand). VCF-style: chr10-6012885-C-T. GRCh37 (hg19) VCF-style: chr10-6054848-C-T.
Other names: c.590G>A, p.Arg197Lys (NM_001308242.2); c.518G>A, p.Arg173Lys (NM_001308243.2); short protein forms R197K, R269K, R173K.
Identifiers: ClinVar variation 1470714 (VCV001470714.8), dbSNP rs774531130, ClinGen allele CA5397283.